The following is an entry in ClinVar:

ClinVar aggregate classification (germline): Benign/Likely benign. Review status: criteria provided, multiple submitters, no conflicts (2 of 4 stars). 7 submissions from 7 submitters: Benign (3); Likely benign (1). 3 of the submissions do not count toward it. Last evaluated 2026-09-01.

Conditions:
SCN11A-related disorder. Also called: SCN11A-related condition.
Hereditary sensory and autonomic neuropathy type 7. Also called: Neuropathy, hereditary sensory and autonomic, type VII; HSAN VII. Identifiers: Orphanet 391397, MedGen C3809882, MONDO:0014244, OMIM 615548.
Familial episodic pain syndrome with predominantly lower limb involvement. Also called: Episodic pain syndrome, familial, 3. Identifiers: Orphanet 391384, Orphanet 391392, MedGen C3809899, MONDO:0014247, OMIM 615552.

Submissions (7):

CeGaT Center for Human Genetics Tuebingen
Classification: Benign. Last evaluated: 2026-09-01. Review status: criteria provided, single submitter. Criteria: CeGaT Center For Human Genetics Tuebingen Variant Classification Criteria Version 2. Collection method: clinical testing. Allele origin: germline. Affected: yes. Observed: 35 variant alleles.
Comment: SCN11A: BS1, BS2

Labcorp Genetics (formerly Invitae), Labcorp
Classification: Benign for Familial episodic pain syndrome with predominantly lower limb involvement; Hereditary sensory and autonomic neuropathy type 7. Last evaluated: 2026-02-02. Review status: criteria provided, single submitter. Criteria: Invitae Variant Classification Sherloc (09022015). Collection method: clinical testing. Allele origin: germline.

GeneDx
Classification: Likely benign. Last evaluated: 2023-02-28. Review status: criteria provided, single submitter. Criteria: GeneDx Variant Classification Process June 2021. Collection method: clinical testing. Allele origin: germline. Affected: yes.
Comment: See Variant Classification Assertion Criteria.

Mayo Clinic Laboratories, Mayo Clinic
Classification: Benign. Last evaluated: 2022-10-27. Review status: criteria provided, single submitter. Criteria: ACMG Guidelines, 2015. Collection method: clinical testing. Allele origin: germline. Observed: 33 variant alleles.

PreventionGenetics, part of Exact Sciences
Classification: Benign for SCN11A-related condition. Last evaluated: 2024-02-14. Review status: no assertion criteria provided. Collection method: clinical testing. Allele origin: germline. Not counted in ClinVar's aggregate classification.
Comment: This variant is classified as benign based on ACMG/AMP sequence variant interpretation guidelines (Richards et al. 2015 PMID: 25741868, with internal and published modifications).

Clinical Genetics, Academic Medical Center
Classification: Benign. Review status: no assertion criteria provided. Collection method: clinical testing. Allele origin: germline. Affected: yes. Study: VKGL Data-share Consensus. Not counted in ClinVar's aggregate classification.

Joint Genome Diagnostic Labs from Nijmegen and Maastricht, Radboudumc and MUMC+
Classification: Benign. Review status: no assertion criteria provided. Collection method: clinical testing. Allele origin: germline. Affected: yes. Study: VKGL Data-share Consensus. Not counted in ClinVar's aggregate classification.

NM_001349253.2(SCN11A):c.268-10dup

Gene: SCN11A (sodium voltage-gated channel alpha subunit 11; minus strand). Cytogenetic location: 3p22.2.
Variant type: Duplication.
Coding change: c.268-10dup on transcript NM_001349253.2 (MANE Select); 10 bases into the intron before coding-DNA position 268, one base duplicated (T; older notation c.268-10dupT).
Molecular consequence: intron variant.
Genome position (GRCh38, 1-based): chr3:38,946,917, A duplicated on the plus strand (T on the coding strand, the reverse complement: SCN11A is on the minus strand); the first of 8 consecutive A bases (chr3:38,946,917-38,946,924); duplicating any one gives the same sequence. VCF-style (leftmost placement, unchanged base first): chr3-38946916-C-CA. GRCh37 (hg19) VCF-style: chr3-38988407-C-CA.
Other names: p.?; c.268-10dup (NM_014139.3); c.268-10dupT (NM_014139.2).
Identifiers: ClinVar variation 474709 (VCV000474709.50), dbSNP rs552650164, ClinGen allele CA2322665.